The following is an entry in ClinVar:

ClinVar aggregate classification (germline): Likely benign (1 of 4 stars; one submission).

Allele frequency attached by ClinVar (database versions not stated): 1000 Genomes Project 0.00339; gnomAD 0.00355 and 0.00377; TOPMed 0.00362; 1000 Genomes Project 30x 0.00375.
gnomAD v4.1: 833 of 1,070,840 alleles (0.078%); highest among the groups gnomAD compares: African/African-American, 1.2%; 3 homozygotes.

Submission:

GeneDx
Classification: Likely benign. Last evaluated: 2018-06-16. Review status: criteria provided, single submitter. Criteria: GeneDx Variant Classification (06012015). Collection method: clinical testing. Allele origin: germline. Affected: yes.
Comment: This variant is considered likely benign or benign based on one or more of the following criteria: it is a conservative change, it occurs at a poorly conserved position in the protein, it is predicted to be benign by multiple in silico algorithms, and/or has population frequency not consistent with disease.

NM_015631.6(TCTN3):c.889-89A>C

Gene: TCTN3 (tectonic family member 3; minus strand). Cytogenetic location: 10q24.1.
Variant type: single nucleotide variant.
Coding change: c.889-89A>C on transcript NM_015631.6 (MANE Select); 89 bases into the intron before coding-DNA position 889, A replaced by C.
Molecular consequence: intron variant.
Genome position (GRCh38, 1-based): chr10:95,685,725, T>G on the plus strand (A>C on the coding strand, the complement: TCTN3 is on the minus strand). VCF-style: chr10-95685725-T-G. GRCh37 (hg19) VCF-style: chr10-97445482-T-G.
Other names: c.651+770A>C (NM_001143973.2).
Identifiers: ClinVar variation 679647 (VCV000679647.1), dbSNP rs76743184, ClinGen allele CA211804409.